The following is an entry in ClinVar:

NM_001130987.2(DYSF):c.6064-1G>C

Gene: DYSF (dysferlin; plus strand). Cytogenetic location: 2p13.2.
Variant type: single nucleotide variant.
Coding change: c.6064-1G>C on transcript NM_001130987.2 (MANE Select); the canonical splice acceptor site of the intron before coding-DNA position 6064, G replaced by C.
Molecular consequence: splice acceptor variant.
Genome position (GRCh38, 1-based): chr2:71,681,000, G>C. VCF-style: chr2-71681000-G-C. GRCh37 (hg19) VCF-style: chr2-71908130-G-C.
Other names: c.6040-1G>C (NM_001130979.2); c.6061-1G>C (NM_001130981.2); c.5998-1G>C (NM_001130980.2); c.6010-1G>C (NM_001130978.2); c.5947-1G>C (NM_003494.4); c.5968-1G>C (NM_001130977.2); c.5905-1G>C (NM_001130976.2); c.6043-1G>C (NM_001130982.2); and 5 more.
Identifiers: ClinVar variation 283475 (VCV000283475.7), dbSNP rs886042636, ClinGen allele CA10604506.

ClinVar aggregate classification (germline): Likely pathogenic. Review status: reviewed by expert panel (3 of 4 stars). 3 submissions from 3 submitters: Likely pathogenic (1). 2 of the submissions do not count toward it. Last evaluated 2026-01-13.

Conditions:
Autosomal recessive limb-girdle muscular dystrophy. Identifiers: Orphanet 102015, MedGen C2931907, MONDO:0015152.
Miyoshi muscular dystrophy 1 (MMD1). Identifiers: Orphanet 45448, MedGen C4551973, MONDO:0024545, OMIM 254130.

Submissions (3):

ClinGen Limb Girdle Muscular Dystrophy Variant Curation Expert Panel, ClinGen
Classification: Likely pathogenic for Autosomal recessive limb-girdle muscular dystrophy. Last evaluated: 2026-01-13. Review status: reviewed by expert panel. Criteria: ClinGen LGMD VCEP ACMG Specifications DYSF V2.0.0. Collection method: curation. Allele origin: germline. Inheritance: Autosomal recessive inheritance.
Comment: The NM_003494.4: c.5947-1G>C variant in DYSF, which is also known as NM_001130987.2: c.6064-1G>C, occurs within the canonical splice acceptor site of exon 53. SpliceAI gives a delta score of 1.0 for loss of the canonical acceptor, 0.82 for gain of a cryptic acceptor 53 bp into intron 52, and 0.64 for gain of a cryptic acceptor 6 bp into exon 53. Use of the cryptic acceptor in intron 52 or skipping of exon 53 would be expected to introduce a frameshift, premature truncation, and nonsense mediated decay whereas use of the cryptic acceptor in exon 53 would be expected to cause an in frame deletion of 2 amino acids (PVS1_Moderate). This variant has been detected in at least two unrelated individuals with clinical features of limb girdle muscular dystrophy, where it was identified in a homozygous state without reported familial consanguinity (0.5 pts x2; Jain Foundation Dysferlin Registry internal data communication) (PM3). One of the patients homozygous for this variant had both progressive limb girdle muscle weakness and absent dysferlin protein expression in skeletal muscle, which is highly specific for DYSF-associated LGMD (Jain Foundation Dysferlin Registry internal data communication; PP4_Strong). This variant is absent from gnomAD v.4.1.0 (PM2_Supporting). In summary, this variant meets the criteria to be classified as Likely Pathogenic for autosomal recessive limb girdle muscular dystrophy based on the ACMG/AMP criteria applied, as specified by the ClinGen LGMD VCEP (LGMD VCEP specifications version 2.0.0; 01/13/2026): PVS1_Moderate, PM3, PP4_Strong, PM2_Supporting.

Baylor Genetics
Classification: Likely pathogenic for Miyoshi muscular dystrophy 1. Last evaluated: 2023-01-04. Review status: criteria provided, single submitter. Criteria: ACMG Guidelines, 2015. Collection method: clinical testing. Allele origin: unknown. Not counted in ClinVar's aggregate classification.

Eurofins Ntd Llc (ga)
Classification: Pathogenic. Last evaluated: 2015-09-23. Review status: criteria provided, single submitter. Criteria: EGL Classification Definitions 2015. Collection method: clinical testing. Allele origin: germline. Observed: 1 variant allele, 1 homozygote. Not counted in ClinVar's aggregate classification.